The following is an entry in ClinVar:

NM_000264.5(PTCH1):c.2615A>C (p.Asn872Thr)

Gene: PTCH1 (patched 1; minus strand). Cytogenetic location: 9q22.32.
Variant type: single nucleotide variant.
Coding change: c.2615A>C on transcript NM_000264.5 (MANE Select); coding-DNA position 2615, A replaced by C.
Protein change: p.Asn872Thr; replaces asparagine 872 with threonine.
Molecular consequence: missense variant. On other transcripts: non-coding transcript variant (1).
Genome position (GRCh38, 1-based): chr9:95,461,944, T>G on the plus strand (A>C on the coding strand, the complement: PTCH1 is on the minus strand). VCF-style: chr9-95461944-T-G. GRCh37 (hg19) VCF-style: chr9-98224226-T-G.
Other names: c.2417A>C, p.Asn806Thr (NM_001083602.3); c.2612A>C, p.Asn871Thr (NM_001083603.3); c.2162A>C, p.Asn721Thr (NM_001083604.3, NM_001083605.3, NM_001083606.3 and 1 more transcripts); c.2459A>C, p.Asn820Thr (NM_001354918.2); short protein forms N806T, N871T, N820T, N721T, N872T.
Identifiers: ClinVar variation 842496 (VCV000842496.11), dbSNP rs769029578, ClinGen allele CA374113469.

ClinVar aggregate classification (germline): Uncertain significance. Review status: criteria provided, multiple submitters, no conflicts (2 of 4 stars). 2 submissions from 2 submitters: Uncertain significance (2). Last evaluated 2024-10-12.

Conditions:
Gorlin syndrome. Also called: Nevoid Basal Cell Carcinoma Syndrome; Basal cell nevus syndrome. Identifiers: Orphanet 377, MedGen C0004779, MONDO:0007187.
Hereditary cancer-predisposing syndrome. Also called: Neoplastic Syndromes, Hereditary; Hereditary neoplastic syndrome; Tumor predisposition; Hereditary Cancer Syndrome. Identifiers: Orphanet 140162, MedGen C0027672, MeSH D009386, MONDO:0015356.

gnomAD v4.1: 1 of 1,614,218 alleles (0.000062%); highest among the groups gnomAD compares: Non-Finnish European, 0.000085%; no homozygotes.

Submissions (2):

Ambry Genetics
Classification: Uncertain significance for Hereditary cancer-predisposing syndrome. Last evaluated: 2024-10-12. Review status: criteria provided, single submitter. Criteria: Ambry Variant Classification Scheme 2023. Collection method: clinical testing. Allele origin: germline.
Comment: The p.N872T variant (also known as c.2615A>C), located in coding exon 16 of the PTCH1 gene, results from an A to C substitution at nucleotide position 2615. The asparagine at codon 872 is replaced by threonine, an amino acid with similar properties. This amino acid position is conserved. In addition, this alteration is predicted to be tolerated by in silico analysis. Based on the available evidence, the clinical significance of this variant remains unclear.

Labcorp Genetics (formerly Invitae), Labcorp
Classification: Uncertain significance for Gorlin syndrome. Last evaluated: 2022-03-13. Review status: criteria provided, single submitter. Criteria: Invitae Variant Classification Sherloc (09022015). Collection method: clinical testing. Allele origin: germline.
Comment: Advanced modeling of protein sequence and biophysical properties (such as structural, functional, and spatial information, amino acid conservation, physicochemical variation, residue mobility, and thermodynamic stability) performed at Invitae indicates that this missense variant is not expected to disrupt PTCH1 protein function. In summary, the available evidence is currently insufficient to determine the role of this variant in disease. Therefore, it has been classified as a Variant of Uncertain Significance. ClinVar contains an entry for this variant (Variation ID: 842496). This variant has not been reported in the literature in individuals affected with PTCH1-related conditions. This variant is not present in population databases (gnomAD no frequency). This sequence change replaces asparagine, which is neutral and polar, with threonine, which is neutral and polar, at codon 872 of the PTCH1 protein (p.Asn872Thr).